The following is an entry in ClinVar:

ClinVar aggregate classification (germline): Uncertain significance (1 of 4 stars; one submission).

gnomAD v4.1: 7 of 1,609,766 alleles (0.00043%); highest among the groups gnomAD compares: South Asian, 0.0011%; no homozygotes.

Submission:

Labcorp Genetics (formerly Invitae), Labcorp
Classification: Uncertain significance. Last evaluated: 2025-03-24. Review status: criteria provided, single submitter. Criteria: Invitae Variant Classification Sherloc (09022015). Collection method: clinical testing. Allele origin: germline.
Comment: This sequence change falls in intron 16 of the DIAPH3 gene. It does not directly change the encoded amino acid sequence of the DIAPH3 protein. It affects a nucleotide within the consensus splice site. This variant is present in population databases (no rsID available, gnomAD 0.003%). This variant has not been reported in the literature in individuals affected with DIAPH3-related conditions. Variants that disrupt the consensus splice site are a relatively common cause of aberrant splicing (PMID: 17576681, 9536098). Algorithms developed to predict the effect of sequence changes on RNA splicing suggest that this variant is not likely to affect RNA splicing. In summary, the available evidence is currently insufficient to determine the role of this variant in disease. Therefore, it has been classified as a Variant of Uncertain Significance.

Literature cited by the submitters: PubMed 17576681; PubMed 9536098.

NM_001042517.2(DIAPH3):c.1959+5A>C

Gene: DIAPH3 (diaphanous related formin 3; minus strand). Cytogenetic location: 13q21.2.
Variant type: single nucleotide variant.
Coding change: c.1959+5A>C on transcript NM_001042517.2 (MANE Select); 5 bases into the intron after coding-DNA position 1959, A replaced by C.
Molecular consequence: intron variant.
Genome position (GRCh38, 1-based): chr13:59,970,847, T>G on the plus strand (A>C on the coding strand, the complement: DIAPH3 is on the minus strand). VCF-style: chr13-59970847-T-G. GRCh37 (hg19) VCF-style: chr13-60544981-T-G.
Other names: c.1749+5A>C (NM_001258368.2); c.1821+5A>C (NM_001258367.2); c.1926+5A>C (NM_001258366.2); c.1959+5A>C (NM_001258369.2); c.1170+5A>C (NM_030932.4, NM_001258370.2).
Identifiers: ClinVar variation 4690830 (VCV004690830.1).